The following is an entry in ClinVar:

NM_020987.5(ANK3):c.4867C>T (p.Arg1623Ter)

Gene: ANK3 (ankyrin 3; minus strand). Cytogenetic location: 10q21.2.
Variant type: single nucleotide variant.
Coding change: c.4867C>T on transcript NM_020987.5 (MANE Select); coding-DNA position 4867, C replaced by T.
Protein change: p.Arg1623Ter; replaces arginine 1623 with a stop codon.
Molecular consequence: nonsense. On other transcripts: intron variant (4).
Genome position (GRCh38, 1-based): chr10:60,076,014, G>A on the plus strand (C>T on the coding strand, the complement: ANK3 is on the minus strand). VCF-style: chr10-60076014-G-A. GRCh37 (hg19) VCF-style: chr10-61835772-G-A.
Other names: c.4387+4523C>T (NM_001204403.2); c.4408+4523C>T (NM_001204404.2); c.4405+4523C>T (NM_001320874.2); c.1807+4523C>T (NM_001149.4); short protein forms R1623*.
Identifiers: ClinVar variation 3256665 (VCV003256665.1).

ClinVar aggregate classification (germline): Likely pathogenic (1 of 4 stars; one submission).

Conditions:
Intellectual developmental disorder, autosomal recessive 37. Also called: Intellectual disability-hypotonia-spasticity-sleep disorder syndrome. Identifiers: Orphanet 356996, MedGen C3809672, MONDO:0014210, OMIM 615493.

Submission:

MVZ Medizinische Genetik Mainz
Classification: Likely pathogenic for Intellectual developmental disorder, autosomal recessive 37. Last evaluated: 2024-03-19. Review status: criteria provided, single submitter. Criteria: UK Practice Guidelines For Variant Classification V4 01 2020. Collection method: clinical testing. Allele origin: germline. Inheritance: Autosomal dominant inheritance. Affected: yes. Observed: 1 variant allele.
Comment: ACMG Criteria: PVS1,PM2_SUP